The following is an entry in ClinVar:

ClinVar aggregate classification (germline): Conflicting classifications of pathogenicity. Review status: criteria provided, conflicting classifications (1 of 4 stars). 2 submissions from 2 submitters: Uncertain significance (1); Likely benign (1). Last evaluated 2025-10-18.

Conditions:
Primary ciliary dyskinesia. Also called: Ciliary dyskinesia. Identifiers: Orphanet 244, MedGen C0008780, MONDO:0016575, HP:0012265.

gnomAD v4.1: 22 of 1,209,600 alleles (0.0018%); highest among the groups gnomAD compares: South Asian, 0.033%; no homozygotes.

Submissions (2):

Ambry Genetics
Classification: Likely benign for Primary ciliary dyskinesia. Last evaluated: 2025-10-18. Review status: criteria provided, single submitter. Criteria: Ambry Variant Classification Scheme 2023. Collection method: clinical testing. Allele origin: germline.

Labcorp Genetics (formerly Invitae), Labcorp
Classification: Uncertain significance for Primary ciliary dyskinesia. Last evaluated: 2025-08-29. Review status: criteria provided, single submitter. Criteria: Invitae Variant Classification Sherloc (09022015). Collection method: clinical testing. Allele origin: germline.
Comment: This sequence change replaces threonine, which is neutral and polar, with alanine, which is neutral and non-polar, at codon 16 of the RPGR protein (p.Thr16Ala). This variant is present in population databases (rs780978686, gnomAD 0.03%). This variant has not been reported in the literature in individuals affected with RPGR-related conditions. Invitae Evidence Modeling of protein sequence and biophysical properties (such as structural, functional, and spatial information, amino acid conservation, physicochemical variation, residue mobility, and thermodynamic stability) has been performed for this missense variant. However, the output from this modeling did not meet the statistical confidence thresholds required to predict the impact of this variant on RPGR protein function. In summary, the available evidence is currently insufficient to determine the role of this variant in disease. Therefore, it has been classified as a Variant of Uncertain Significance.

NM_001034853.2(RPGR):c.46A>G (p.Thr16Ala)

Gene: RPGR (retinitis pigmentosa GTPase regulator; minus strand). Cytogenetic location: Xp11.4.
Variant type: single nucleotide variant.
Coding change: c.46A>G on transcript NM_001034853.2 (MANE Select); coding-DNA position 46, A replaced by G.
Protein change: p.Thr16Ala; replaces threonine 16 with alanine.
Molecular consequence: missense variant. On other transcripts: non-coding transcript variant (6).
Genome position (GRCh38, 1-based): chrX:38,323,507, T>C on the plus strand (A>G on the coding strand, the complement: RPGR is on the minus strand). VCF-style: chrX-38323507-T-C. GRCh37 (hg19) VCF-style: chrX-38182760-T-C.
Other names: c.46A>G, p.Thr16Ala (NM_001367249.1, NM_001367250.1, NM_001367251.1 and 4 more transcripts); c.76A>G, p.Thr26Ala (NM_001367248.1); short protein forms T16A, T26A.
Identifiers: ClinVar variation 4633699 (VCV004633699.2).